The following is an entry in ClinVar:

NM_000465.4(BARD1):c.1568+15G>T

Gene: BARD1 (BRCA1 associated RING domain 1; minus strand). Cytogenetic location: 2q35.
Variant type: single nucleotide variant.
Coding change: c.1568+15G>T on transcript NM_000465.4 (MANE Select); 15 bases into the intron after coding-DNA position 1568, G replaced by T.
Molecular consequence: intron variant.
Genome position (GRCh38, 1-based): chr2:214,767,467, C>A on the plus strand (G>T on the coding strand, the complement: BARD1 is on the minus strand). VCF-style: chr2-214767467-C-A. GRCh37 (hg19) VCF-style: chr2-215632191-C-A.
Other names: c.159-14912G>T (NM_001282548.2); c.1511+15G>T (NM_001282543.2); c.216-14912G>T (NM_001282545.2); c.364+24830G>T (NM_001282549.2); c.1568+15G>T (LRG_297t1).
Identifiers: ClinVar variation 140771 (VCV000140771.21), dbSNP rs145936354, ClinGen allele CA163527.

ClinVar aggregate classification (germline): Conflicting classifications of pathogenicity. Review status: criteria provided, conflicting classifications (1 of 4 stars). 8 submissions from 8 submitters: Uncertain significance (1); Benign (1); Likely benign (5). 1 of the submissions does not count toward it. Last evaluated 2026-02-03.

Conditions:
Hereditary cancer-predisposing syndrome. Also called: Neoplastic Syndromes, Hereditary; Tumor predisposition; Hereditary Cancer Syndrome; Hereditary neoplastic syndrome. Identifiers: Orphanet 140162, MedGen C0027672, MeSH D009386, MONDO:0015356.
Familial cancer of breast. Also called: BREAST CANCER, FAMILIAL; Hereditary breast cancer; hereditary breast carcinoma. Identifiers: Orphanet 227535, MedGen C0346153, MONDO:0016419, OMIM 114480. Disease mechanism: loss of function.
Malignant tumor of breast. Also called: Malignant breast neoplasm; Cancer breast. Identifiers: MedGen C0006142, MONDO:0007254. Disease mechanism: loss of function.

Allele frequency attached by ClinVar (database versions not stated): TOPMed 0.00014; gnomAD 0.00010.
gnomAD v4.1: 199 of 1,610,002 alleles (0.012%); highest among the groups gnomAD compares: Non-Finnish European, 0.016%; no homozygotes.

Submissions (8):

Labcorp Genetics (formerly Invitae), Labcorp
Classification: Likely benign for Familial cancer of breast. Last evaluated: 2026-02-03. Review status: criteria provided, single submitter. Criteria: Invitae Variant Classification Sherloc (09022015). Collection method: clinical testing. Allele origin: germline.

Center for Genomic Medicine, Rigshospitalet, Copenhagen University Hospital
Classification: Likely benign. Last evaluated: 2025-12-29. Review status: criteria provided, single submitter. Criteria: ACMG Guidelines, 2015. Collection method: clinical testing. Allele origin: germline.
Comment: Classification criteria: BP4, BP7

Illumina Laboratory Services, Illumina
Classification: Uncertain significance for Familial cancer of breast. Last evaluated: 2018-01-13. Review status: criteria provided, single submitter. Criteria: ICSL Variant Classification Criteria 13 December 2019. Collection method: clinical testing. Allele origin: germline.

PreventionGenetics, part of Exact Sciences
Classification: Likely benign. Last evaluated: 2017-09-29. Review status: criteria provided, single submitter. Criteria: ACMG Guidelines, 2015. Collection method: clinical testing. Allele origin: germline.

Color Diagnostics, LLC DBA Color Health
Classification: Likely benign for Hereditary cancer-predisposing syndrome. Last evaluated: 2015-12-08. Review status: criteria provided, single submitter. Criteria: ACMG Guidelines, 2015. Collection method: clinical testing. Allele origin: germline.

Ambry Genetics
Classification: Likely benign for Hereditary cancer-predisposing syndrome. Last evaluated: 2015-10-30. Review status: criteria provided, single submitter. Criteria: Ambry Autosomal Dominant and X-Linked criteria (10/2015). Collection method: clinical testing. Allele origin: germline. Observed: 1 variant allele.

GeneDx
Classification: Benign. Last evaluated: 2015-03-03. Review status: criteria provided, single submitter. Criteria: GeneDx Variant Classification Process June 2021. Collection method: clinical testing. Allele origin: germline. Affected: yes.

Department of Pathology and Laboratory Medicine, Sinai Health System
Classification: Likely benign for Malignant tumor of breast. Review status: no assertion criteria provided. Collection method: clinical testing. Allele origin: unknown. Affected: yes. Observed: 1 variant allele. Study: The Canadian Open Genetics Repository (COGR). Not counted in ClinVar's aggregate classification.
Comment: The BARD1 c.1568+15G>T variant was not identified in the literature nor was it identified in the MutDB, Clinvitae or Zhejiang University Databases. The variant was identified in dbSNP (ID: rs145936354) as â€šÃ„ÃºWith Likely benign alleleâ€šÃ„Ã¹ and ClinVar (2x as likely benign by Ambry Genetics and Color Genomics). The variant was identified in control databases in 17 of 276586 chromosomes at a frequency of 0.00006 (Genome Aggregation Database Feb 27, 2017). The variant was observed in the following populations: African in 3 of 24014 chromosomes (freq: 0.000125) and European Non-Finnish in 14 of 126260 chromosomes (freq: 0.0001); it was not observed in the â€šÃ„ÃºOtherâ€šÃ„Ã¹, Latino, Ashkenazi Jewish, East Asian, European Finnish, or South Asian populations. The variant occurs outside of the splicing consensus sequence and in silico or computational prediction software programs (SpliceSiteFinder, MaxEntScan, NNSPLICE, GeneSplicer, HumanSpliceFinder) do not predict a greater than 10% difference in splicing; however, this is not very predictive of pathogenicity. In summary, based on the above information the clinical significance of this variant cannot be determined with certainty at this time although we would lean towards a more benign role for this variant. This variant is classified as likely benign.